The following is an entry in ClinVar:

ClinVar aggregate classification (germline): Likely benign. Review status: criteria provided, multiple submitters, no conflicts (2 of 4 stars). 4 submissions from 4 submitters: Likely benign (4). Last evaluated 2025-10-30.

Conditions:
Inborn genetic diseases. Identifiers: MedGen C0950123, MeSH D030342.
Focal segmental glomerulosclerosis 5 (FSGS5). Identifiers: Orphanet 656, MedGen C2750475, MONDO:0013191, OMIM 613237.
Charcot-Marie-Tooth disease dominant intermediate E. Also called: CHARCOT-MARIE-TOOTH NEUROPATHY WITH FOCAL SEGMENTAL GLOMERULONEPHRITIS. Identifiers: Orphanet 93114, MedGen C4302667, MONDO:0013758, OMIM 614455.

Allele frequency attached by ClinVar (database versions not stated): gnomAD exomes 0.00002; TOPMed 0.00002; ExAC 0.00003; gnomAD 0.00005 and 0.00006; ESP Exome Variant Server 0.00024.
gnomAD v4.1: 32 of 1,612,348 alleles (0.002%); highest among the groups gnomAD compares: African/African-American, 0.0053%; no homozygotes.

Submissions (4):

Mayo Clinic Laboratories, Mayo Clinic
Classification: Likely benign. Last evaluated: 2025-10-30. Review status: criteria provided, single submitter. Criteria: ACMG Guidelines, 2015. Collection method: clinical testing. Allele origin: germline. Observed: 1 variant allele.
Comment: BS2, BP4

Labcorp Genetics (formerly Invitae), Labcorp
Classification: Likely benign for Charcot-Marie-Tooth disease dominant intermediate E; Focal segmental glomerulosclerosis 5. Last evaluated: 2025-07-01. Review status: criteria provided, single submitter. Criteria: Invitae Variant Classification Sherloc (09022015). Collection method: clinical testing. Allele origin: germline.

Ambry Genetics
Classification: Likely benign for Inborn genetic diseases. Last evaluated: 2023-11-07. Review status: criteria provided, single submitter. Criteria: Ambry Variant Classification Scheme 2023. Collection method: clinical testing. Allele origin: germline.

Illumina Laboratory Services, Illumina
Classification: Likely benign for Focal segmental glomerulosclerosis 5. Last evaluated: 2018-01-12. Review status: criteria provided, single submitter. Criteria: ICSL Variant Classification Criteria 13 December 2019. Collection method: clinical testing. Allele origin: germline.
Comment: This variant was observed in the ICSL laboratory as part of a predisposition screen in an ostensibly healthy population. It had not been previously curated by ICSL or reported in the Human Gene Mutation Database (HGMD: prior to June 1st, 2018), and was therefore a candidate for classification through an automated scoring system. Utilizing variant allele frequency, disease prevalence and penetrance estimates, and inheritance mode, an automated score was calculated to assess if this variant is too frequent to cause the disease. Based on the score and internal cut-off values, a variant classified as likely benign is not then subjected to further curation. The score for this variant resulted in a classification of likely benign for this disease.

NM_022489.4(INF2):c.2423C>T (p.Ala808Val)

Gene: INF2 (inverted formin 2; plus strand). Cytogenetic location: 14q32.33.
Variant type: single nucleotide variant.
Coding change: c.2423C>T on transcript NM_022489.4 (MANE Select); coding-DNA position 2423, C replaced by T.
Protein change: p.Ala808Val; replaces alanine 808 with valine.
Molecular consequence: missense variant.
Genome position (GRCh38, 1-based): chr14:104,711,633, C>T. VCF-style: chr14-104711633-C-T. GRCh37 (hg19) VCF-style: chr14-105177970-C-T.
Other names: p.Ala808Val; c.2423C>T, p.Ala808Val (NM_001031714.4); short protein forms A808V.
Identifiers: ClinVar variation 881531 (VCV000881531.10), dbSNP rs200948588, ClinGen allele CA7372934.